The following is an entry in ClinVar:

ClinVar aggregate classification (germline): Uncertain significance. Review status: criteria provided, multiple submitters, no conflicts (2 of 4 stars). 2 submissions from 2 submitters: Uncertain significance (2). Last evaluated 2025-04-14.

Conditions:
McKusick-Kaufman syndrome (MKKS). Also called: HYDROMETROCOLPOS SYNDROME; HYDROMETROCOLPOS, POSTAXIAL POLYDACTYLY, AND CONGENITAL HEART MALFORMATION. Identifiers: Orphanet 2473, MedGen C0948368, MONDO:0009367, OMIM 236700.
Bardet-Biedl syndrome (BBS). Identifiers: Orphanet 110, MedGen C0752166, MONDO:0015229.
MKKS-related disorder. Also called: MKKS-related condition; MKKS-related disorders.

Allele frequency attached by ClinVar (database versions not stated): ExAC 0.00001.
gnomAD v4.1: 2 of 1,614,168 alleles (0.00012%); highest among the groups gnomAD compares: Admixed American, 0.0017%; no homozygotes.

Submissions (2):

PreventionGenetics, part of Exact Sciences
Classification: Uncertain significance for MKKS-related condition. Last evaluated: 2025-04-14. Review status: criteria provided, single submitter. Criteria: ACMG Guidelines, 2015. Collection method: clinical testing. Allele origin: germline.
Comment: The MKKS c.8G>C variant is predicted to result in the amino acid substitution p.Arg3Pro. To our knowledge, this variant has not been reported in the literature. This variant is reported in 0.00088% of alleles in individuals of European (Non-Finnish) descent in gnomAD. At this time, the clinical significance of this variant is uncertain due to the absence of conclusive functional and genetic evidence.

Labcorp Genetics (formerly Invitae), Labcorp
Classification: Uncertain significance for McKusick-Kaufman syndrome; Bardet-Biedl syndrome. Last evaluated: 2022-07-19. Review status: criteria provided, single submitter. Criteria: Invitae Variant Classification Sherloc (09022015). Collection method: clinical testing. Allele origin: germline.
Comment: In summary, the available evidence is currently insufficient to determine the role of this variant in disease. Therefore, it has been classified as a Variant of Uncertain Significance. Algorithms developed to predict the effect of missense changes on protein structure and function are either unavailable or do not agree on the potential impact of this missense change (SIFT: "Deleterious"; PolyPhen-2: "Probably Damaging"; Align-GVGD: "Class C0"). ClinVar contains an entry for this variant (Variation ID: 1376029). This variant has not been reported in the literature in individuals affected with MKKS-related conditions. This variant is present in population databases (rs770619894, gnomAD 0.0009%). This sequence change replaces arginine, which is basic and polar, with proline, which is neutral and non-polar, at codon 3 of the MKKS protein (p.Arg3Pro).

NM_170784.3(MKKS):c.8G>C (p.Arg3Pro)

Gene: MKKS (MKKS centrosomal shuttling protein; minus strand). Cytogenetic location: 20p12.2.
Variant type: single nucleotide variant.
Coding change: c.8G>C on transcript NM_170784.3 (MANE Select); coding-DNA position 8, G replaced by C.
Protein change: p.Arg3Pro; replaces arginine 3 with proline.
Molecular consequence: missense variant.
Genome position (GRCh38, 1-based): chr20:10,413,507, C>G on the plus strand (G>C on the coding strand, the complement: MKKS is on the minus strand). VCF-style: chr20-10413507-C-G. GRCh37 (hg19) VCF-style: chr20-10394155-C-G.
Other names: c.8G>C, p.Arg3Pro (NM_018848.3); short protein forms R3P.
Identifiers: ClinVar variation 1376029 (VCV001376029.8), dbSNP rs770619894, ClinGen allele CA9763764.